The following is an entry in ClinVar:

NM_024757.5(EHMT1):c.103G>A (p.Asp35Asn)

Gene: EHMT1 (euchromatic histone lysine methyltransferase 1; plus strand). Cytogenetic location: 9q34.3.
Variant type: single nucleotide variant.
Coding change: c.103G>A on transcript NM_024757.5 (MANE Select); coding-DNA position 103, G replaced by A.
Protein change: p.Asp35Asn; replaces aspartic acid 35 with asparagine.
Molecular consequence: missense variant.
Genome position (GRCh38, 1-based): chr9:137,716,643, G>A. VCF-style: chr9-137716643-G-A. GRCh37 (hg19) VCF-style: chr9-140611095-G-A.
Other names: c.103G>A, p.Asp35Asn (NM_001145527.2, NM_001354263.2, NM_001354611.2); c.10G>A, p.Asp4Asn (NM_001354259.2, NM_001354612.2); short protein forms D35N, D4N.
Identifiers: ClinVar variation 624383 (VCV000624383.47), dbSNP rs371134699, ClinGen allele CA5374179.

ClinVar aggregate classification (germline): Uncertain significance. Review status: criteria provided, multiple submitters, no conflicts (2 of 4 stars). 2 submissions from 2 submitters: Uncertain significance (2). Last evaluated 2024-01-01.

Conditions:
Kleefstra syndrome 1 (KLEFS1). Identifiers: Orphanet 261494, MedGen C0795833, MONDO:0027407, OMIM 610253.

Allele frequency attached by ClinVar (database versions not stated): TOPMed 0.00001; ExAC 0.00003; gnomAD exomes 0.00003; ESP Exome Variant Server 0.00008.
gnomAD v4.1: 37 of 1,576,886 alleles (0.0023%); highest among the groups gnomAD compares: East Asian, 0.0068%; no homozygotes.

Submissions (2):

CeGaT Center for Human Genetics Tuebingen
Classification: Uncertain significance. Last evaluated: 2024-01-01. Review status: criteria provided, single submitter. Criteria: CeGaT Center For Human Genetics Tuebingen Variant Classification Criteria Version 2. Collection method: clinical testing. Allele origin: germline. Affected: yes. Observed: 2 variant alleles.

Labcorp Genetics (formerly Invitae), Labcorp
Classification: Uncertain significance for Kleefstra syndrome 1. Last evaluated: 2022-06-26. Review status: criteria provided, single submitter. Criteria: Invitae Variant Classification Sherloc (09022015). Collection method: clinical testing. Allele origin: germline.
Comment: This variant has not been reported in the literature in individuals affected with EHMT1-related conditions. In summary, the available evidence is currently insufficient to determine the role of this variant in disease. Therefore, it has been classified as a Variant of Uncertain Significance. Algorithms developed to predict the effect of missense changes on protein structure and function are either unavailable or do not agree on the potential impact of this missense change (SIFT: "Deleterious"; PolyPhen-2: "Probably Damaging"; Align-GVGD: "Class C0"). ClinVar contains an entry for this variant (Variation ID: 624383). This variant is present in population databases (rs371134699, gnomAD 0.007%). This sequence change replaces aspartic acid, which is acidic and polar, with asparagine, which is neutral and polar, at codon 35 of the EHMT1 protein (p.Asp35Asn).